The following is an entry in ClinVar:

ClinVar aggregate classification (germline): Likely pathogenic (1 of 4 stars; one submission).

Conditions:
Multiple synostoses syndrome 3 (SYNS3). Identifiers: Orphanet 3237, MedGen C2751826, MONDO:0013064, OMIM 612961.

Submission:

Victorian Clinical Genetics Services, Murdoch Childrens Research Institute
Classification: Likely pathogenic for Multiple synostoses syndrome 3. Last evaluated: 2021-05-06. Review status: criteria provided, single submitter. Criteria: ACMG Guidelines, 2015. Collection method: clinical testing. Allele origin: germline. Inheritance: Autosomal dominant inheritance. Affected: yes.
Comment: Based on the classification scheme VCGS_Germline_v1.3.4, this variant is classified as Likely Pathogenic. Following criteria are met: 0102 - Loss of function is a known mechanism of disease in this gene and is associated with multiple synostoses syndrome 3 (MIM#612961). (I) 0107 - This gene is associated with autosomal dominant disease. (I) 0200 - Variant is predicted to result in a missense amino acid change from leucine to serine. (I) 0251 - This variant is heterozygous. (I) 0301 - Variant is absent from gnomAD (both v2 and v3). (SP) 0501 - Missense variant consistently predicted to be damaging by multiple in silico tools or highly conserved with a major amino acid change. (SP) 0604 - Variant is not located in an established domain, motif, hotspot or informative constraint region. (I) 0705 - No comparable missense variants have previous evidence for pathogenicity. (I) 0807 - This variant has no previous evidence of pathogenicity. (I) 0905 - No published segregation evidence has been identified for this variant. (I) 1007 - No published functional evidence has been identified for this variant. (I) 1102 - Strong phenotype match for this individual. (SP) Legend: (SP) - Supporting pathogenic, (I) - Information, (SB) - Supporting benign

NM_002010.3(FGF9):c.11T>C (p.Leu4Ser)

Gene: FGF9 (fibroblast growth factor 9; plus strand). Cytogenetic location: 13q12.11.
Variant type: single nucleotide variant.
Coding change: c.11T>C on transcript NM_002010.3 (MANE Select); coding-DNA position 11, T replaced by C.
Protein change: p.Leu4Ser; replaces leucine 4 with serine.
Molecular consequence: missense variant.
Genome position (GRCh38, 1-based): chr13:21,671,923, T>C. VCF-style: chr13-21671923-T-C. GRCh37 (hg19) VCF-style: chr13-22246062-T-C.
Other names: short protein forms L4S.
Identifiers: ClinVar variation 1804963 (VCV001804963.1), dbSNP rs2542485459, ClinGen allele CA387673735.